The following is an entry in ClinVar:

NM_001244008.2(KIF1A):c.3868_3869dup (p.Arg1291fs)

Genes: KIF1A (kinesin family member 1A; minus strand), LOC126806583 (P300/CBP strongly-dependent group 1 enhancer GRCh37_chr2:241678910-241680109; plus strand). Cytogenetic location: 2q37.3.
Variant type: Microsatellite.
Coding change: c.3868_3869dup on transcript NM_001244008.2 (MANE Select); coding-DNA positions 3868 to 3869, 2 bases duplicated (AT; older notation c.3868_3869dupAT).
Protein change: p.Arg1291fs; shifts the reading frame from arginine 1291.
Molecular consequence: frameshift variant.
Genome position (GRCh38, 1-based): chr2:240,740,090-240,740,091, AT duplicated on the plus strand (AT on the coding strand, the reverse complement: KIF1A is on the minus strand); duplicating any 2 consecutive bases within chr2:240,740,090-240,740,093 gives the same sequence; the c. name uses the placement nearest the transcript's 3' end. VCF-style (leftmost placement, unchanged base first): chr2-240740089-G-GAT. GRCh37 (hg19) VCF-style: chr2-241679506-G-GAT.
Other names: c.3592_3593dup, p.Arg1199fs (NM_001320705.2, NM_001330289.2, NM_001379638.1); c.3667_3668dup, p.Arg1224fs (NM_001330290.2, NM_001379634.1, NM_001379635.1 and 1 more transcripts); c.3943_3944dup, p.Arg1316fs (NM_001379631.1); c.3817_3818dup, p.Arg1274fs (NM_001379632.1); c.3841_3842dup, p.Arg1282fs (NM_001379633.1, NM_001379642.1, NM_001379645.1); c.3565_3566dup, p.Arg1190fs (NM_001379636.1, NM_001379639.1, NM_001379641.1 and 5 more transcripts); c.3640_3641dup, p.Arg1215fs (NM_001379637.1, NM_001379648.1); c.3562_3563dup, p.Arg1189fs (NM_001379640.1); short protein forms R1189fs, R1190fs, R1199fs, R1215fs, R1224fs, R1274fs, R1282fs, R1291fs.
Identifiers: ClinVar variation 3360654 (VCV003360654.2).

ClinVar aggregate classification (germline): Likely pathogenic (1 of 4 stars; one submission).

Submission:

GeneDx
Classification: Likely pathogenic. Last evaluated: 2025-10-24. Review status: criteria provided, single submitter. Criteria: GeneDx Variant Classification Process June 2021. Collection method: clinical testing. Allele origin: germline.
Comment: Frameshift variant predicted to result in protein truncation or nonsense mediated decay in a gene for which loss of function is a known mechanism of disease; Not observed at significant frequency in large population cohorts (gnomAD); Has not been previously published as pathogenic or benign to our knowledge